The following continues an entry in ClinVar:

NM_001267550.2(TTN):c.71602C>T (p.Arg23868Ter)

ClinVar aggregate classification (germline): Pathogenic/Likely pathogenic. Pathogenic (12); Likely pathogenic (2).

Submissions 7 to 18 of 18:

Ambry Genetics
Classification: Pathogenic for Cardiovascular phenotype. Last evaluated: 2022-12-29. Review status: criteria provided, single submitter. Criteria: Ambry Variant Classification Scheme 2023. Collection method: clinical testing. Allele origin: germline.
Comment: The p.R14803* pathogenic mutation (also known as c.44407C>T), located in coding exon 153 of the TTN gene, results from a C to T substitution at nucleotide position 44407. This changes the amino acid from an arginine to a stop codon within coding exon 153. This exon is located in the A-band region of the N2-B isoform of the titin protein and is constitutively expressed in TTN transcripts (percent spliced in or PSI 100%). This variant (also referred to as p.R23868* and p.R14995*) has been identified in individuals from peripartum cardiomyopathy, dilated cardiomyopathy, and noncompaction cardiomyopathy cohorts (Ware JS et al. N. Engl. J. Med., 2016 Jan;374:233-41; Dal Ferro M et al. Heart, 2017 11;103:1704-1710; Miszalski-Jamka K et al. Circ Cardiovasc Genet. 2017 Aug;10(4); van Waning JI et al. J Am Coll Cardiol. 2018 Feb;71(7):711-722; Jansen M et al. Circ Genom Precis Med. 2019 May;12(5):e002436). This variant is considered to be rare based on population cohorts in the Genome Aggregation Database (gnomAD). This alteration is expected to result in loss of function by premature protein truncation or nonsense-mediated mRNA decay. While truncating variants in TTN are present in 1-3% of the general population, truncating variants in the A-band are the most common cause of dilated cardiomyopathy (DCM) (Herman DS et al. N. Engl. J. Med., 2012 Feb;366:619-28; Roberts AM et al. Sci Transl Med, 2015 Jan;7:270ra6). TTN truncating variants encoded in constitutive exons (PSI >90%) have been found to be significantly associated with DCM regardless of their position in titin (Schafer S et al. Nat. Genet., 2017 01;49:46-53). Based on the supporting evidence, this alteration is interpreted as a disease-causing mutation.

CHEO Genetics Diagnostic Laboratory, Children's Hospital of Eastern Ontario
Classification: Pathogenic for Cardiomyopathy. Last evaluated: 2022-04-29. Review status: criteria provided, single submitter. Criteria: ACMG Guidelines, 2015. Collection method: clinical testing. Allele origin: germline. Study: Canadian Open Genetics Repository.

GeneDx
Classification: Pathogenic. Last evaluated: 2021-11-23. Review status: criteria provided, single submitter. Criteria: GeneDx Variant Classification Process June 2021. Collection method: clinical testing. Allele origin: germline. Affected: yes.
Comment: Not observed at a significant frequency in large population cohorts (Lek et al., 2016); Nonsense variant predicted to result in protein truncation or nonsense mediated decay in a gene for which loss-of-function is a known mechanism of disease; Located in the A-band region of titin, where the majority of truncating pathogenic variants associated with DCM have been reported (Herman et al., 2012); This variant is associated with the following publications: (PMID: 28798025, 22335739, 24503780, 28416588, 23975875, 25589632, 26735901, 29447731, 31514951, 33874732)

Fulgent Genetics
Classification: Pathogenic for Tibial muscular dystrophy; Myopathy, myofibrillar, 9, with early respiratory failure; Dilated cardiomyopathy 1G; Autosomal recessive limb-girdle muscular dystrophy type 2J; Early-onset myopathy with fatal cardiomyopathy; Hypertrophic cardiomyopathy 9. Last evaluated: 2021-11-06. Review status: criteria provided, single submitter. Criteria: ACMG Guidelines, 2015. Collection method: clinical testing. Allele origin: unknown.

CeGaT Center for Human Genetics Tuebingen
Classification: Likely pathogenic. Last evaluated: 2020-10-01. Review status: criteria provided, single submitter. Criteria: CeGaT Center For Human Genetics Tuebingen Variant Classification Criteria Version 2. Collection method: clinical testing. Allele origin: germline. Affected: yes. Observed: 1 variant allele.

Laboratory for Molecular Medicine, Mass General Brigham Personalized Medicine
Classification: Pathogenic for Primary dilated cardiomyopathy. Last evaluated: 2019-07-16. Review status: criteria provided, single submitter. Criteria: ACMG Guidelines, 2015. Collection method: clinical testing. Allele origin: germline. Inheritance: Autosomal dominant inheritance.
Comment: The p.Arg21300X variant in TTN has been identified by our laboratory in 2 adults with DCM. In one family, it segregated with disease in 7 affected relatives (including 3 obligate carriers). This variant has also been identified in 0.001% (1/112282) of European chromosomes by gnomAD and has been reported in ClinVar (Variation ID: 47301). This nonsense variant leads to a premature termination codon at position 21300, which is predicted to lead to a truncated or absent protein. Nonsense and other truncating variants in TTN are strongly associated with DCM, particularly if they are located in the exons encoding for the A-band region of the protein (Herman 2012, Pugh 2014), where this variant is located. In summary, this variant meets criteria to be classified as pathogenic for DCM in an autosomal dominant manner based on segregation studies and the predicted effect of this variant on the protein. ACMG/AMP Criteria applied: PVS1; PP1_Strong; PM2.

Molecular Diagnostic Laboratory for Inherited Cardiovascular Disease, Montreal Heart Institute
Classification: Pathogenic for Primary familial dilated cardiomyopathy. Last evaluated: 2017-02-16. Review status: criteria provided, single submitter. Criteria: ACMG Guidelines, 2015. Collection method: clinical testing. Allele origin: germline. Affected: yes.

Juno Genomics, Hangzhou Juno Genomics, Inc
Classification: Likely pathogenic for Dilated cardiomyopathy 1G. Review status: criteria provided, single submitter. Criteria: ACMG Guidelines, 2015. Collection method: clinical testing. Allele origin: germline.
Comment: Absent from controls (or at extremely low frequency if recessive) in Genome Aggregation Database.;Null variant in a gene where loss of function (LOF) is a known mechanism of disease.;The prevalence of the variant in affected individuals is significantly increased compared to the prevalence in controls.;Patient's phenotype or family history is highly specific for a disease with a single genetic etiology.

Cardiogenetics and Myogenetics Molecular and Cellular Functional Unit, Aphp Sorbonne University-Hopital Pitie Salpetriere
Classification: Likely pathogenic for Dilated cardiomyopathy 1G. Last evaluated: 2024-01-06. Review status: no assertion criteria provided. Collection method: clinical testing. Allele origin: germline. Affected: yes. Not counted in ClinVar's aggregate classification.

deCODE genetics, Amgen
Classification: Pathogenic for Dilated cardiomyopathy 1G. Last evaluated: 2023-07-21. Review status: no assertion criteria provided. Collection method: research. Allele origin: germline. Affected: yes. Observed: 4 variant alleles. Not counted in ClinVar's aggregate classification.
Comment: The variant NM_001267550.2:c.71602C>T (chr2:178574530) in TTN was detected in 3 heterozygotes out of 58K WGS Icelanders (MAF= 0,003%). This variant has been reported in ClinVar previously as pathogenic/likely pathogenic. Based on ACMG criteria (PVS1, PM2, PP5) this variant classifies as pathogenic.

Diagnostic Laboratory, Department of Genetics, University Medical Center Groningen
Classification: Pathogenic. Review status: no assertion criteria provided. Collection method: clinical testing. Allele origin: germline. Affected: yes. Study: VKGL Data-share Consensus. Not counted in ClinVar's aggregate classification.

Genome Diagnostics Laboratory, University Medical Center Utrecht
Classification: Pathogenic. Review status: no assertion criteria provided. Collection method: clinical testing. Allele origin: germline. Affected: yes. Study: VKGL Data-share Consensus. Not counted in ClinVar's aggregate classification.

Literature cited by the submitters: PubMed 26735901 (cited by 5 submitters); PubMed 28416588 (cited by 3 submitters); PubMed 25589632 (cited by Labcorp Genetics (formerly Invitae), Labcorp); PubMed 23975875 (cited by Labcorp Genetics (formerly Invitae), Labcorp); PubMed 31514951 (cited by New York Genome Center); PubMed 29447731 (cited by New York Genome Center and Ambry Genetics); PubMed 28798025 (cited by Ambry Genetics); PubMed 31112426 (cited by Ambry Genetics); PubMed 33874732 (cited by Ambry Genetics); PubMed 24503780 (cited by Laboratory for Molecular Medicine, Mass General Brigham Personalized Medicine); PubMed 22335739 (cited by Laboratory for Molecular Medicine, Mass General Brigham Personalized Medicine).